The following is an entry in ClinVar:

ClinVar aggregate classification (germline): Pathogenic. Review status: criteria provided, multiple submitters, no conflicts (2 of 4 stars). 4 submissions from 4 submitters: Pathogenic (4). Last evaluated 2025-04-16.

Conditions:
Hereditary cancer-predisposing syndrome. Also called: Hereditary neoplastic syndrome; Tumor predisposition; Neoplastic Syndromes, Hereditary; Hereditary Cancer Syndrome. Identifiers: Orphanet 140162, MedGen C0027672, MeSH D009386, MONDO:0015356.
Familial adenomatous polyposis 1 (FAP1). Also called: FAMILIAL ADENOMATOUS POLYPOSIS 1, ATTENUATED; POLYPOSIS, ADENOMATOUS INTESTINAL. Identifiers: MedGen C2713442, MONDO:0021056, OMIM 175100. Disease mechanism: loss of function.

Submissions (4):

Ambry Genetics
Classification: Pathogenic for Hereditary cancer-predisposing syndrome. Last evaluated: 2025-04-16. Review status: criteria provided, single submitter. Criteria: Ambry Variant Classification Scheme 2023. Collection method: clinical testing. Allele origin: germline.
Comment: The c.2805delC pathogenic mutation, located in coding exon 15 of the APC gene, results from a deletion of one nucleotide at nucleotide position 2805, causing a predicted alternate stop codon (p.Y935*). This alteration occurs at the 3' terminus of the APC gene, is not expected to trigger nonsense-mediated mRNA decay, and impacts the last 67% of the protein. However, premature stop codons are typically deleterious in nature, the impacted region is critical for protein function and a significant portion of the protein is affected (Ambry internal data). In addition, this variant was identified in 1/51 unrelated Argentinean probands affected by familial adenomatous polyposis (FAP) (De Rosa M et al. Hum. Mutat., 2004 May;23:523-4). This variant is considered to be rare based on population cohorts in the Genome Aggregation Database (gnomAD). As such, this alteration is interpreted as a disease-causing mutation.

Labcorp Genetics (formerly Invitae), Labcorp
Classification: Pathogenic for Familial adenomatous polyposis 1. Last evaluated: 2024-04-05. Review status: criteria provided, single submitter. Criteria: Invitae Variant Classification Sherloc (09022015). Collection method: clinical testing. Allele origin: germline.
Comment: This sequence change creates a premature translational stop signal (p.Tyr935*) in the APC gene. While this is not anticipated to result in nonsense mediated decay, it is expected to disrupt the last 1909 amino acid(s) of the APC protein. This variant is not present in population databases (gnomAD no frequency). This premature translational stop signal has been observed in individual(s) with familial adenomatous polyposis (FAP) (PMID: 10083733, 10713886, 15108288). ClinVar contains an entry for this variant (Variation ID: 92344). This variant is expected to disrupt the EB1 and HDLG binding sites, which mediate interactions with the cytoskeleton (PMID: 15311282, 17293347). While functional studies have not been performed to directly test the effect on APC protein function, this suggests that disruption of the C-terminal portion of the protein is functionally important. A different truncation (p.Tyr2645Lysfs*14) that lies downstream of this variant has been determined to be pathogenic (PMID: 9824584, 1316610, 27081525, 8381579, 22135120, Invitae). This suggests that deletion of this region of the APC protein is causative of disease. For these reasons, this variant has been classified as Pathogenic.

Myriad Genetics, Inc.
Classification: Pathogenic for Familial adenomatous polyposis 1. Last evaluated: 2023-05-05. Review status: criteria provided, single submitter. Criteria: Myriad Autosomal Dominant, Autosomal Recessive and X-Linked Classification Criteria (2023). Collection method: clinical testing. Allele origin: unknown.
Comment: This variant is considered pathogenic. This variant creates a termination codon and is predicted to result in premature protein truncation.

Eurofins Ntd Llc (ga)
Classification: Pathogenic. Last evaluated: 2012-11-08. Review status: criteria provided, single submitter. Criteria: EGL Classification Definitions. Collection method: clinical testing. Allele origin: germline. Observed: 1 variant allele, 1 heterozygote.

Literature cited by the submitters: PubMed 15108288 (cited by Ambry Genetics and Labcorp Genetics (formerly Invitae), Labcorp); PubMed 10083733 (cited by Labcorp Genetics (formerly Invitae), Labcorp); PubMed 10713886 (cited by Labcorp Genetics (formerly Invitae), Labcorp); PubMed 15311282 (cited by Labcorp Genetics (formerly Invitae), Labcorp); PubMed 17293347 (cited by Labcorp Genetics (formerly Invitae), Labcorp); PubMed 9824584 (cited by Labcorp Genetics (formerly Invitae), Labcorp); PubMed 1316610 (cited by Labcorp Genetics (formerly Invitae), Labcorp); PubMed 27081525 (cited by Labcorp Genetics (formerly Invitae), Labcorp); PubMed 8381579 (cited by Labcorp Genetics (formerly Invitae), Labcorp); PubMed 22135120 (cited by Labcorp Genetics (formerly Invitae), Labcorp).

NM_000038.6(APC):c.2805del (p.Thr934_Tyr935insTer)

Gene: APC (APC regulator of Wnt signaling pathway; plus strand). Cytogenetic location: 5q22.2.
Variant type: Deletion.
Coding change: c.2805del on transcript NM_000038.6 (MANE Select); coding-DNA position 2805, one base deleted (C; older notation c.2805delC).
Protein change: p.Thr934_Tyr935insTer.
Molecular consequence: nonsense.
Genome position (GRCh38, 1-based): chr5:112,838,399, C deleted. VCF-style (leftmost placement, unchanged base first): chr5-112838398-AC-A. GRCh37 (hg19) VCF-style: chr5-112174095-AC-A.
Other names: c.2805del, p.Thr934_Tyr935insTer (NM_001127510.3, NM_001354895.2); c.2751del, p.Thr916_Tyr917insTer (NM_001127511.3); c.2859del, p.Thr952_Tyr953insTer (NM_001354896.2); c.2835del, p.Thr944_Tyr945insTer (NM_001354897.2); c.2730del, p.Thr909_Tyr910insTer (NM_001354898.2); c.2721del, p.Thr906_Tyr907insTer (NM_001354899.2); c.2682del, p.Thr893_Tyr894insTer (NM_001354900.2); c.2628del, p.Thr875_Tyr876insTer (NM_001354901.2); and 5 more.
Identifiers: ClinVar variation 92344 (VCV000092344.14), dbSNP rs398123120, ClinGen allele CA007827.